The following is an entry in ClinVar:

NM_177438.3(DICER1):c.3602A>G (p.Gln1201Arg)

Gene: DICER1 (dicer 1, ribonuclease III; minus strand). Cytogenetic location: 14q32.13.
Variant type: single nucleotide variant.
Coding change: c.3602A>G on transcript NM_177438.3 (MANE Select); coding-DNA position 3602, A replaced by G.
Protein change: p.Gln1201Arg; replaces glutamine 1201 with arginine.
Molecular consequence: missense variant.
Genome position (GRCh38, 1-based): chr14:95,103,794, T>C on the plus strand (A>G on the coding strand, the complement: DICER1 is on the minus strand). VCF-style: chr14-95103794-T-C. GRCh37 (hg19) VCF-style: chr14-95570131-T-C.
Other names: c.3602A>G, p.Gln1201Arg (NM_001195573.1, NM_001271282.3, NM_001291628.2 and 1 more transcripts); short protein forms Q1201R.
Identifiers: ClinVar variation 1006328 (VCV001006328.14), dbSNP rs1891135454, ClinGen allele CA390874733.

ClinVar aggregate classification (germline): Uncertain significance. Review status: criteria provided, multiple submitters, no conflicts (2 of 4 stars). 2 submissions from 2 submitters: Uncertain significance (2). Last evaluated 2025-11-24.

Conditions:
DICER1-related tumor predisposition. Also called: DICER1 syndrome; DICER1-related pleuropulmonary blastoma cancer predisposition syndrome. Identifiers: Orphanet 284343, MedGen C3839822, MONDO:0100216.
Hereditary cancer-predisposing syndrome. Also called: Hereditary neoplastic syndrome; Neoplastic Syndromes, Hereditary; Tumor predisposition; Hereditary Cancer Syndrome. Identifiers: Orphanet 140162, MedGen C0027672, MeSH D009386, MONDO:0015356.

Submissions (2):

Ambry Genetics
Classification: Uncertain significance for Hereditary cancer-predisposing syndrome. Last evaluated: 2025-11-24. Review status: criteria provided, single submitter. Criteria: Ambry Variant Classification Scheme 2023. Collection method: clinical testing. Allele origin: germline.
Comment: The p.Q1201R variant (also known as c.3602A>G), located in coding exon 20 of the DICER1 gene, results from an A to G substitution at nucleotide position 3602. The glutamine at codon 1201 is replaced by arginine, an amino acid with highly similar properties. This amino acid position is well conserved in available vertebrate species. In addition, the in silico prediction for this alteration is inconclusive. Based on the available evidence, the clinical significance of this variant remains unclear.

Labcorp Genetics (formerly Invitae), Labcorp
Classification: Uncertain significance for DICER1-related tumor predisposition. Last evaluated: 2023-07-29. Review status: criteria provided, single submitter. Criteria: Invitae Variant Classification Sherloc (09022015). Collection method: clinical testing. Allele origin: germline.
Comment: This variant has not been reported in the literature in individuals affected with DICER1-related conditions. This variant is not present in population databases (gnomAD no frequency). This sequence change replaces glutamine, which is neutral and polar, with arginine, which is basic and polar, at codon 1201 of the DICER1 protein (p.Gln1201Arg). ClinVar contains an entry for this variant (Variation ID: 1006328). In summary, the available evidence is currently insufficient to determine the role of this variant in disease. Therefore, it has been classified as a Variant of Uncertain Significance. Advanced modeling of protein sequence and biophysical properties (such as structural, functional, and spatial information, amino acid conservation, physicochemical variation, residue mobility, and thermodynamic stability) performed at Invitae indicates that this missense variant is not expected to disrupt DICER1 protein function.